The following is an entry in ClinVar:

NM_000245.4(MET):c.22G>A (p.Ala8Thr)

Gene: MET (MET proto-oncogene, receptor tyrosine kinase; plus strand). Cytogenetic location: 7q31.2.
Variant type: single nucleotide variant.
Coding change: c.22G>A on transcript NM_000245.4 (MANE Select); coding-DNA position 22, G replaced by A.
Protein change: p.Ala8Thr; replaces alanine 8 with threonine.
Molecular consequence: missense variant. On other transcripts: intron variant (1).
Genome position (GRCh38, 1-based): chr7:116,699,106, G>A. VCF-style: chr7-116699106-G-A. GRCh37 (hg19) VCF-style: chr7-116339160-G-A.
Other names: c.22G>A, p.Ala8Thr (NM_001127500.3, NM_001324401.3); c.-91+26529G>A (NM_001324402.2); short protein forms A8T.
Identifiers: ClinVar variation 485749 (VCV000485749.18), dbSNP rs758564871, ClinGen allele CA4447931.

ClinVar aggregate classification (germline): Conflicting classifications of pathogenicity. Review status: criteria provided, conflicting classifications (1 of 4 stars). 5 submissions from 5 submitters: Uncertain significance (3); Benign (1); Likely benign (1). Last evaluated 2026-01-21.

Conditions:
Autosomal recessive nonsyndromic hearing loss 97. Also called: Deafness, autosomal recessive 97. Identifiers: Orphanet 90636, MedGen C4084709, MONDO:0014739, OMIM 616705.
Renal cell carcinoma. Identifiers: Orphanet 217071, MedGen C0007134, MeSH D002292, MONDO:0005086, HP:0005584.
Hereditary cancer-predisposing syndrome. Also called: Tumor predisposition; Hereditary neoplastic syndrome; Neoplastic Syndromes, Hereditary; Hereditary Cancer Syndrome. Identifiers: Orphanet 140162, MedGen C0027672, MeSH D009386, MONDO:0015356.

Allele frequency attached by ClinVar (database versions not stated): gnomAD 0.00005 and 0.00006; TOPMed 0.00005; gnomAD exomes 0.00002 and 0.00001; ExAC 0.00002.
gnomAD v4.1: 19 of 1,613,754 alleles (0.0012%); highest among the groups gnomAD compares: African/African-American, 0.02%; no homozygotes.

Submissions (5):

Labcorp Genetics (formerly Invitae), Labcorp
Classification: Likely benign for Renal cell carcinoma. Last evaluated: 2026-01-21. Review status: criteria provided, single submitter. Criteria: Invitae Variant Classification Sherloc (09022015). Collection method: clinical testing. Allele origin: germline.

GeneDx
Classification: Uncertain significance. Last evaluated: 2025-06-20. Review status: criteria provided, single submitter. Criteria: GeneDx Variant Classification Process June 2021. Collection method: clinical testing. Allele origin: germline.
Comment: Not observed at significant frequency in large population cohorts (gnomAD); In silico analysis suggests that this missense variant does not alter protein structure/function; Has not been previously published as pathogenic or benign to our knowledge

Baylor Genetics
Classification: Uncertain significance for Autosomal recessive nonsyndromic hearing loss 97. Last evaluated: 2024-03-06. Review status: criteria provided, single submitter. Criteria: ACMG Guidelines, 2015. Collection method: clinical testing. Allele origin: unknown.

Ambry Genetics
Classification: Benign for Hereditary cancer-predisposing syndrome. Last evaluated: 2024-01-08. Review status: criteria provided, single submitter. Criteria: Ambry Variant Classification Scheme 2023. Collection method: clinical testing. Allele origin: germline.

ARUP Laboratories, Molecular Genetics and Genomics, ARUP Laboratories
Classification: Uncertain significance. Last evaluated: 2023-01-06. Review status: criteria provided, single submitter. Criteria: ARUP Molecular Germline Variant Investigation Process 2024. Collection method: clinical testing. Allele origin: germline.
Comment: The MET c.22G>A; p.Ala8Thr variant (rs758564871), to our knowledge, is not reported in the medical literature but is reported in ClinVar (Variation ID: 485749). This variant is only observed on five alleles in the Genome Aggregation Database, indicating it is not a common polymorphism. The alanine at codon 8 is weakly conserved, and computational analyses predict that this variant is neutral (REVEL: 0.075). Due to limited information, the clinical significance of this variant is uncertain at this time.